The following is an entry in ClinVar:

ClinVar aggregate classification (germline): Conflicting classifications of pathogenicity. Review status: criteria provided, conflicting classifications (1 of 4 stars). 4 submissions from 4 submitters: Likely pathogenic (1); Uncertain significance (2); Likely benign (1). Last evaluated 2026-04-14.

Conditions:
PRPF8-related disorder. Also called: PRPF8-related condition.
Choroideremia. Also called: Chorioretinal scalloped atrophy. Identifiers: Orphanet 180, MedGen C0008525, MONDO:0010557, OMIM 303100, HP:0001139.

Allele frequency attached by ClinVar (database versions not stated): gnomAD 0.00003; TOPMed 0.00003; gnomAD exomes 0.00007; ExAC 0.00014; ESP Exome Variant Server 0.00015.

Submissions (4):

PreventionGenetics, part of Exact Sciences
Classification: Uncertain significance for PRPF8-related condition. Last evaluated: 2026-04-14. Review status: criteria provided, single submitter. Criteria: ACMG Guidelines, 2015. Collection method: clinical testing. Allele origin: germline.
Comment: The PRPF8 c.38C>T variant is predicted to result in the amino acid substitution p.Pro13Leu. This variant has been identified in individuals with primary open angle glaucoma (Micheal et al. 2017. PubMed ID: 28707069). This variant segregated with disease in a family with six individuals with primary open angle glaucoma and one unaffected family member who did not have this variant (Micheal et al. 2017. PubMed ID: 28707069). However, association between glaucoma and variants in PRPF8 has not been established at this time. To our knowledge, this variant has not been reported in individuals with retinal pigmentosa. This variant is reported in 0.062% of alleles in individuals of South Asian descent in gnomAD, including two homozygotes. At this time, the clinical significance of this variant is uncertain for glaucoma and retinitis pigmentosa due to the absence of conclusive functional and genetic evidence.

Labcorp Genetics (formerly Invitae), Labcorp
Classification: Likely pathogenic. Last evaluated: 2025-12-28. Review status: criteria provided, single submitter. Criteria: Invitae Variant Classification Sherloc (09022015). Collection method: clinical testing. Allele origin: germline.
Comment: This sequence change replaces proline, which is neutral and non-polar, with leucine, which is neutral and non-polar, at codon 13 of the PRPF8 protein (p.Pro13Leu). This variant is present in population databases (rs144249808, gnomAD 0.06%), and has an allele count higher than expected for a pathogenic variant. This missense change has been observed in individual(s) with primary open angle glaucoma (PMID: 28707069). It has also been observed to segregate with disease in related individuals. ClinVar contains an entry for this variant (Variation ID: 2137871). An algorithm developed to predict the effect of missense changes on protein structure and function (PolyPhen-2) suggests that this variant is likely to be tolerated. In summary, the currently available evidence indicates that the variant is pathogenic, but additional data are needed to prove that conclusively. Therefore, this variant has been classified as Likely Pathogenic.

Lab De Baere, Eye and Developmental Genetics Lab, Ghent University
Classification: Uncertain significance for Choroideremia. Last evaluated: 2024-10-01. Review status: criteria provided, single submitter. Criteria: ACMG Guidelines, 2015. Collection method: research. Allele origin: inherited. Affected: yes. Observed: 1 variant allele.
Comment: ACMG/AMP guidelines: BP1, PP2, BP4, PP1_PS, BP2_cis

Blueprint Genetics
Classification: Likely benign. Last evaluated: 2024-04-12. Review status: criteria provided, single submitter. Criteria: ACMG Guidelines, 2015. Collection method: clinical testing. Allele origin: germline.

Literature cited by the submitters: PubMed 28707069 (cited by Labcorp Genetics (formerly Invitae), Labcorp).

NM_006445.4(PRPF8):c.38C>T (p.Pro13Leu)

Gene: PRPF8 (pre-mRNA processing factor 8; minus strand). Cytogenetic location: 17p13.3.
Variant type: single nucleotide variant.
Coding change: c.38C>T on transcript NM_006445.4 (MANE Select); coding-DNA position 38, C replaced by T.
Protein change: p.Pro13Leu; replaces proline 13 with leucine.
Molecular consequence: missense variant.
Genome position (GRCh38, 1-based): chr17:1,684,534, G>A on the plus strand (C>T on the coding strand, the complement: PRPF8 is on the minus strand). VCF-style: chr17-1684534-G-A. GRCh37 (hg19) VCF-style: chr17-1587828-G-A.
Other names: c.38C>T (NM_006445.3); short protein forms P13L.
Identifiers: ClinVar variation 2137871 (VCV002137871.7), dbSNP rs144249808, ClinGen allele CA8272758.